The following is an entry in ClinVar:

ClinVar aggregate classification (germline): Likely benign. Review status: criteria provided, multiple submitters, no conflicts (2 of 4 stars). 3 submissions from 3 submitters: Likely benign (3). Last evaluated 2026-08-27.

Conditions:
FANCA-related disorder. Also called: FANCA-related condition.
Inborn genetic diseases. Identifiers: MedGen C0950123, MeSH D030342.
Fanconi anemia (FA). Also called: Fanconi's anemia. Identifiers: Orphanet 84, MedGen C0015625, MeSH D005199, MONDO:0019391.

Allele frequency attached by ClinVar (database versions not stated): gnomAD exomes below 0.00001 and 0.00001; TOPMed 0.00001.
gnomAD v4.1: 7 of 1,613,964 alleles (0.00043%); highest among the groups gnomAD compares: East Asian, 0.0022%; no homozygotes.

Submissions (3):

PreventionGenetics, part of Exact Sciences
Classification: Likely benign for FANCA-related condition. Last evaluated: 2026-08-27. Review status: criteria provided, single submitter. Criteria: ACMG Guidelines, 2015. Collection method: clinical testing. Allele origin: germline.
Comment: This variant is classified as likely benign based on ACMG/AMP sequence variant interpretation guidelines (Richards et al. 2015 PMID: 25741868, with internal and published modifications).

Labcorp Genetics (formerly Invitae), Labcorp
Classification: Likely benign for Fanconi anemia. Last evaluated: 2025-12-20. Review status: criteria provided, single submitter. Criteria: Invitae Variant Classification Sherloc (09022015). Collection method: clinical testing. Allele origin: germline.

Ambry Genetics
Classification: Likely benign for Inborn genetic diseases. Last evaluated: 2024-12-15. Review status: criteria provided, single submitter. Criteria: Ambry Variant Classification Scheme 2023. Collection method: clinical testing. Allele origin: germline.

NM_000135.4(FANCA):c.387G>A (p.Ala129=)

Gene: FANCA (FA complementation group A; minus strand). Cytogenetic location: 16q24.3.
Variant type: single nucleotide variant.
Coding change: c.387G>A on transcript NM_000135.4 (MANE Select); coding-DNA position 387, G replaced by A.
Protein change: p.Ala129=; no amino-acid change (alanine 129 retained).
Molecular consequence: synonymous variant.
Genome position (GRCh38, 1-based): chr16:89,810,968, C>T on the plus strand (G>A on the coding strand, the complement: FANCA is on the minus strand). VCF-style: chr16-89810968-C-T. GRCh37 (hg19) VCF-style: chr16-89877376-C-T.
Other names: c.387G>A (LRG_495t1); c.387G>A, p.Ala129= (NM_001018112.3, NM_001286167.3, NM_001351830.2).
Identifiers: ClinVar variation 647027 (VCV000647027.8), dbSNP rs1181727153, ClinGen allele CA497379357.